The following is an entry in ClinVar:

NM_006493.4(CLN5):c.149G>A (p.Arg50Gln)

Genes: CLN5 (CLN5 lysosomal BMP synthase; plus strand), LOC130009913 (ATAC-STARR-seq lymphoblastoid silent region 5414; plus strand). Cytogenetic location: 13q22.3.
Variant type: single nucleotide variant.
Coding change: c.149G>A on transcript NM_006493.4 (MANE Select); coding-DNA position 149, G replaced by A.
Protein change: p.Arg50Gln; replaces arginine 50 with glutamine.
Molecular consequence: missense variant.
Genome position (GRCh38, 1-based): chr13:76,992,247, G>A. VCF-style: chr13-76992247-G-A. GRCh37 (hg19) VCF-style: chr13-77566382-G-A.
Other names: c.149G>A, p.Arg50Gln (NM_001366624.2); short protein forms R50Q, R99Q.
Identifiers: ClinVar variation 2043290 (VCV002043290.4), dbSNP rs2501125421, ClinGen allele CA388306804.

ClinVar aggregate classification (germline): Uncertain significance (1 of 4 stars; one submission).

Conditions:
Neuronal ceroid lipofuscinosis. Also called: Neuronal Ceroid Lipofuscinoses. Identifiers: Orphanet 216, Orphanet 79263, MedGen C0027877, MONDO:0016295. Disease mechanism: loss of function.

Submission:

Labcorp Genetics (formerly Invitae), Labcorp
Classification: Uncertain significance for Neuronal ceroid lipofuscinosis. Last evaluated: 2022-07-21. Review status: criteria provided, single submitter. Criteria: Invitae Variant Classification Sherloc (09022015). Collection method: clinical testing. Allele origin: germline.
Comment: In summary, the available evidence is currently insufficient to determine the role of this variant in disease. Therefore, it has been classified as a Variant of Uncertain Significance. Algorithms developed to predict the effect of sequence changes on RNA splicing suggest that this variant may create or strengthen a splice site. Algorithms developed to predict the effect of missense changes on protein structure and function output the following: SIFT: "Tolerated"; PolyPhen-2: "Benign"; Align-GVGD: "Class C0". The glutamine amino acid residue is found in multiple mammalian species, which suggests that this missense change does not adversely affect protein function. This variant has not been reported in the literature in individuals affected with CLN5-related conditions. This variant is not present in population databases (gnomAD no frequency). This sequence change replaces arginine, which is basic and polar, with glutamine, which is neutral and polar, at codon 99 of the CLN5 protein (p.Arg99Gln).